The following is an entry in ClinVar:

NM_144666.3(DNHD1):c.9045del (p.Ile3016fs)

Gene: DNHD1 (dynein heavy chain domain 1; plus strand). Cytogenetic location: 11p15.4.
Variant type: Deletion.
Coding change: c.9045del on transcript NM_144666.3 (MANE Select); coding-DNA position 9045, one base deleted (G; older notation c.9045delG).
Protein change: p.Ile3016fs; shifts the reading frame from isoleucine 3016.
Molecular consequence: frameshift variant.
Genome position (GRCh38, 1-based): chr11:6,558,527, G deleted. VCF-style (leftmost placement, unchanged base first): chr11-6558526-TG-T. GRCh37 (hg19) VCF-style: chr11-6579756-TG-T.
Other names: short protein forms I3016fs.
Identifiers: ClinVar variation 2195542 (VCV002195542.1), dbSNP rs2494057078, ClinGen allele CA2580083955.
Genomic context (GRCh38, chr11:6,558,526, plus strand): 5'-GCTGAGCCCTGGCCCACAGGTTCCACCAGCAAGTGTGCAGCCACCTTCACCTGTTCTTCC[TG>T]ATTGGAGATAAACAGGCCCACAAGCAGCTGCCCTCCACCCTTTTCCTGAGGCTCCTTCAA-3'

ClinVar aggregate classification (germline): Pathogenic (1 of 4 stars; one submission).

Allele frequency attached by ClinVar (database versions not stated): gnomAD exomes below 0.00001.

Submission:

Labcorp Genetics (formerly Invitae), Labcorp
Classification: Pathogenic. Last evaluated: 2022-06-28. Review status: criteria provided, single submitter. Criteria: Invitae Variant Classification Sherloc (09022015). Collection method: clinical testing. Allele origin: germline.
Comment: This sequence change creates a premature translational stop signal (p.Ile3016Leufs*16) in the DNHD1 gene. It is expected to result in an absent or disrupted protein product. Loss-of-function variants in DNHD1 are known to be pathogenic (PMID: 34932939). This variant is not present in population databases (gnomAD no frequency). This variant has not been reported in the literature in individuals affected with DNHD1-related conditions. Algorithms developed to predict the effect of sequence changes on RNA splicing suggest that this variant may create or strengthen a splice site. For these reasons, this variant has been classified as Pathogenic.

Literature cited by the submitters: PubMed 34932939.